The following is an entry in ClinVar:

ClinVar aggregate classification (germline): Benign/Likely benign. Review status: criteria provided, multiple submitters, no conflicts (2 of 4 stars). 3 submissions from 3 submitters: Benign (1); Likely benign (2). Last evaluated 2026-05-20.

Conditions:
Neurofibromatosis, type 1 (NF1). Also called: VON RECKLINGHAUSEN DISEASE; Neurofibromatosis, type I; NEUROFIBROMATOSIS, TYPE I, SOMATIC; Peripheral type neurofibromatosis. Identifiers: Orphanet 636, MedGen C0027831, MONDO:0018975, OMIM 162200. Disease mechanism: loss of function.
Cardiovascular phenotype. Identifiers: MedGen CN230736.
Hereditary cancer-predisposing syndrome. Also called: Hereditary Cancer Syndrome; Hereditary neoplastic syndrome; Neoplastic Syndromes, Hereditary; Tumor predisposition. Identifiers: Orphanet 140162, MedGen C0027672, MeSH D009386, MONDO:0015356.

Allele frequency attached by ClinVar (database versions not stated): gnomAD exomes below 0.00001.
gnomAD v4.1: 1 of 1,614,114 alleles (0.000062%); highest among the groups gnomAD compares: Non-Finnish European, 0.000085%; no homozygotes.

Submissions (3):

Myriad Genetics, Inc.
Classification: Benign for Neurofibromatosis, type 1. Last evaluated: 2026-05-20. Review status: criteria provided, single submitter. Criteria: Myriad Autosomal Dominant, Autosomal Recessive and X-Linked Classification Criteria (2023). Collection method: clinical testing. Allele origin: unknown.
Comment: This variant is considered benign. This variant is a silent/synonymous amino acid change and it is not expected to impact splicing.

Ambry Genetics
Classification: Likely benign for Cardiovascular phenotype; Hereditary cancer-predisposing syndrome. Last evaluated: 2025-09-18. Review status: criteria provided, single submitter. Criteria: Ambry Variant Classification Scheme 2023. Collection method: clinical testing. Allele origin: germline.

Labcorp Genetics (formerly Invitae), Labcorp
Classification: Likely benign for Neurofibromatosis, type 1. Last evaluated: 2023-08-20. Review status: criteria provided, single submitter. Criteria: Invitae Variant Classification Sherloc (09022015). Collection method: clinical testing. Allele origin: germline.

NM_001042492.3(NF1):c.3429C>T (p.His1143=)

Gene: NF1 (neurofibromin 1; plus strand). Cytogenetic location: 17q11.2.
Variant type: single nucleotide variant.
Coding change: c.3429C>T on transcript NM_001042492.3 (MANE Select); coding-DNA position 3429, C replaced by T.
Protein change: p.His1143=; no amino-acid change (histidine 1143 retained).
Molecular consequence: synonymous variant.
Genome position (GRCh38, 1-based): chr17:31,232,814, C>T. VCF-style: chr17-31232814-C-T. GRCh37 (hg19) VCF-style: chr17-29559832-C-T.
Other names: c.3429C>T, p.His1143= (NM_000267.4).
Identifiers: ClinVar variation 2754211 (VCV002754211.5), dbSNP rs2151434709, ClinGen allele CA499232377.